The following is an entry in ClinVar:

ClinVar aggregate classification (germline): Uncertain significance. Review status: criteria provided, multiple submitters, no conflicts (2 of 4 stars). 2 submissions from 2 submitters: Uncertain significance (2). Last evaluated 2021-11-23.

Conditions:
Hereditary cancer-predisposing syndrome. Also called: Hereditary neoplastic syndrome; Neoplastic Syndromes, Hereditary; Hereditary Cancer Syndrome; Tumor predisposition. Identifiers: Orphanet 140162, MedGen C0027672, MeSH D009386, MONDO:0015356.
Hereditary breast ovarian cancer syndrome. Also called: Hereditary breast and/or ovarian cancer syndrome; Hereditary breast and ovarian cancer syndrome (HBOC); Breast and ovarian cancer; Hereditary breast and ovarian cancer; Hereditary breast and ovarian cancer syndrome; BRCA1- and BRCA2-Associated Hereditary Breast and Ovarian Cancer. Identifiers: Orphanet 145, MedGen C0677776, MeSH D061325, MONDO:0003582. Disease mechanism: loss of function.

Submissions (2):

Color Diagnostics, LLC DBA Color Health
Classification: Uncertain significance for Hereditary cancer-predisposing syndrome. Last evaluated: 2021-11-23. Review status: criteria provided, single submitter. Criteria: ACMG Guidelines, 2015. Collection method: clinical testing. Allele origin: germline.
Comment: This missense variant replaces threonine with alanine at codon 2469 of the BRCA2 protein. Computational prediction suggests that this variant may not impact protein structure and function (internally defined REVEL score threshold <= 0.5, PMID: 27666373). To our knowledge, functional studies have not been reported for this variant. This variant has not been reported in individuals affected with hereditary cancer in the literature. This variant has not been identified in the general population by the Genome Aggregation Database (gnomAD). The available evidence is insufficient to determine the role of this variant in disease conclusively. Therefore, this variant is classified as a Variant of Uncertain Significance.

Labcorp Genetics (formerly Invitae), Labcorp
Classification: Uncertain significance for Hereditary breast ovarian cancer syndrome. Last evaluated: 2021-11-07. Review status: criteria provided, single submitter. Criteria: Invitae Variant Classification Sherloc (09022015). Collection method: clinical testing. Allele origin: germline.
Comment: In summary, the available evidence is currently insufficient to determine the role of this variant in disease. Therefore, it has been classified as a Variant of Uncertain Significance. Advanced modeling of protein sequence and biophysical properties (such as structural, functional, and spatial information, amino acid conservation, physicochemical variation, residue mobility, and thermodynamic stability) performed at Invitae indicates that this missense variant is not expected to disrupt BRCA2 protein function. This variant has not been reported in the literature in individuals affected with BRCA2-related conditions. This variant is not present in population databases (gnomAD no frequency). This sequence change replaces threonine, which is neutral and polar, with alanine, which is neutral and non-polar, at codon 2469 of the BRCA2 protein (p.Thr2469Ala).

NM_000059.4(BRCA2):c.7405A>G (p.Thr2469Ala)

Gene: BRCA2 (BRCA2 DNA repair associated; plus strand). Cytogenetic location: 13q13.1.
Variant type: single nucleotide variant.
Coding change: c.7405A>G on transcript NM_000059.4 (MANE Select); coding-DNA position 7405, A replaced by G.
Protein change: p.Thr2469Ala; replaces threonine 2469 with alanine.
Molecular consequence: missense variant.
Genome position (GRCh38, 1-based): chr13:32,355,258, A>G. VCF-style: chr13-32355258-A-G. GRCh37 (hg19) VCF-style: chr13-32929395-A-G.
Other names: short protein forms T2469A.
Identifiers: ClinVar variation 1487498 (VCV001487498.8), dbSNP rs2137558820, ClinGen allele CA387741871.